The following is an entry in ClinVar:

ClinVar aggregate classification (germline): Uncertain significance (1 of 4 stars; one submission).

Conditions:
Peroxisome biogenesis disorder 3A (Zellweger). Also called: PEROXISOMAL BIOGENESIS DISORDER 3A (ZELLWEGER); Peroxisome biogenesis disorder 3A. Identifiers: Orphanet 912, MedGen C3553929, MONDO:0013927, OMIM 614859.

Allele frequency attached by ClinVar (database versions not stated): gnomAD exomes below 0.00001.
gnomAD v4.1: 4 of 1,614,152 alleles (0.00025%); highest among the groups gnomAD compares: African/African-American, 0.0013%; no homozygotes.

Submission:

Labcorp Genetics (formerly Invitae), Labcorp
Classification: Uncertain significance for Peroxisome biogenesis disorder 3A (Zellweger). Last evaluated: 2022-02-08. Review status: criteria provided, single submitter. Criteria: Invitae Variant Classification Sherloc (09022015). Collection method: clinical testing. Allele origin: germline.
Comment: This sequence change replaces phenylalanine, which is neutral and non-polar, with leucine, which is neutral and non-polar, at codon 82 of the PEX12 protein (p.Phe82Leu). This variant is not present in population databases (gnomAD no frequency). This variant has not been reported in the literature in individuals affected with PEX12-related conditions. Algorithms developed to predict the effect of missense changes on protein structure and function are either unavailable or do not agree on the potential impact of this missense change (SIFT: "Deleterious"; PolyPhen-2: "Probably Damaging"; Align-GVGD: "Class C15"). In summary, the available evidence is currently insufficient to determine the role of this variant in disease. Therefore, it has been classified as a Variant of Uncertain Significance.

NM_000286.3(PEX12):c.244T>C (p.Phe82Leu)

Gene: PEX12 (peroxisomal biogenesis factor 12; minus strand). Cytogenetic location: 17q12.
Variant type: single nucleotide variant.
Coding change: c.244T>C on transcript NM_000286.3 (MANE Select); coding-DNA position 244, T replaced by C.
Protein change: p.Phe82Leu; replaces phenylalanine 82 with leucine.
Molecular consequence: missense variant.
Genome position (GRCh38, 1-based): chr17:35,577,474, A>G on the plus strand (T>C on the coding strand, the complement: PEX12 is on the minus strand). VCF-style: chr17-35577474-A-G. GRCh37 (hg19) VCF-style: chr17-33904493-A-G.
Other names: short protein forms F82L.
Identifiers: ClinVar variation 1510734 (VCV001510734.5), dbSNP rs2142231070, ClinGen allele CA399138555.